The following is an entry in ClinVar:

ClinVar aggregate classification (germline): Uncertain significance (1 of 4 stars; one submission).

Allele frequency attached by ClinVar (database versions not stated): gnomAD exomes below 0.00001.
gnomAD v4.1: 1 of 1,612,470 alleles (0.000062%); highest among the groups gnomAD compares: South Asian, 0.0011%; no homozygotes.

Submission:

Labcorp Genetics (formerly Invitae), Labcorp
Classification: Uncertain significance. Last evaluated: 2023-08-03. Review status: criteria provided, single submitter. Criteria: Invitae Variant Classification Sherloc (09022015). Collection method: clinical testing. Allele origin: germline.
Comment: This sequence change replaces valine, which is neutral and non-polar, with leucine, which is neutral and non-polar, at codon 827 of the ROR2 protein (p.Val827Leu). The frequency data for this variant in the population databases is considered unreliable, as metrics indicate poor data quality at this position in the gnomAD database. This variant has not been reported in the literature in individuals affected with ROR2-related conditions. Advanced modeling of protein sequence and biophysical properties (such as structural, functional, and spatial information, amino acid conservation, physicochemical variation, residue mobility, and thermodynamic stability) performed at Invitae indicates that this missense variant is not expected to disrupt ROR2 protein function. In summary, the available evidence is currently insufficient to determine the role of this variant in disease. Therefore, it has been classified as a Variant of Uncertain Significance.

NM_004560.4(ROR2):c.2479G>T (p.Val827Leu)

Gene: ROR2 (receptor tyrosine kinase like orphan receptor 2; minus strand). Cytogenetic location: 9q22.31.
Variant type: single nucleotide variant.
Coding change: c.2479G>T on transcript NM_004560.4 (MANE Select); coding-DNA position 2479, G replaced by T.
Protein change: p.Val827Leu; replaces valine 827 with leucine.
Molecular consequence: missense variant.
Genome position (GRCh38, 1-based): chr9:91,724,015, C>A on the plus strand (G>T on the coding strand, the complement: ROR2 is on the minus strand). VCF-style: chr9-91724015-C-A. GRCh37 (hg19) VCF-style: chr9-94486297-C-A.
Other names: short protein forms V827L.
Identifiers: ClinVar variation 2748297 (VCV002748297.3), dbSNP rs1391531897, ClinGen allele CA373794203.